The following is an entry in ClinVar:

ClinVar aggregate classification (germline): Uncertain significance. Review status: criteria provided, multiple submitters, no conflicts (2 of 4 stars). 4 submissions from 4 submitters: Uncertain significance (4). Last evaluated 2026-08-25.

Conditions:
Inborn genetic diseases. Identifiers: MedGen C0950123, MeSH D030342.

Allele frequency attached by ClinVar (database versions not stated): ExAC 0.00002; gnomAD 0.00001; gnomAD exomes 0.00002; TOPMed 0.00002.
gnomAD v4.1: 28 of 1,613,254 alleles (0.0017%); highest among the groups gnomAD compares: Non-Finnish European, 0.0022%; no homozygotes.

Submissions (4):

GeneDx
Classification: Uncertain significance. Last evaluated: 2026-08-25. Review status: criteria provided, single submitter. Criteria: GeneDx Variant Classification Process June 2021. Collection method: clinical testing. Allele origin: germline.
Comment: Not observed at significant frequency in large population cohorts (gnomAD); In silico analysis supports that this missense variant has a deleterious effect on protein structure/function; Has not been previously published as pathogenic or benign to our knowledge

Women's Health and Genetics/Laboratory Corporation of America, LabCorp
Classification: Uncertain significance. Last evaluated: 2024-04-05. Review status: criteria provided, single submitter. Criteria: LabCorp Variant Classification Summary - May 2015. Collection method: clinical testing. Allele origin: germline.
Comment: Variant summary: MME c.1930A>G (p.Thr644Ala) results in a non-conservative amino acid change located in the Peptidase M13, C-terminal domain (IPR018497) of the encoded protein sequence. Five of five in-silico tools predict a damaging effect of the variant on protein function. The variant allele was found at a frequency of 1.6e-05 in 250214 control chromosomes. The available data on variant occurrences in the general population are insufficient to allow any conclusion about variant significance. To our knowledge, no occurrence of c.1930A>G in individuals affected with Charcot-Marie Disease Axonal Type 2T and no experimental evidence demonstrating its impact on protein function have been reported. ClinVar contains an entry for this variant (Variation ID: 1417820). Based on the evidence outlined above, the variant was classified as uncertain significance.

Ambry Genetics
Classification: Uncertain significance for Inborn genetic diseases. Last evaluated: 2024-03-25. Review status: criteria provided, single submitter. Criteria: Ambry Variant Classification Scheme 2023. Collection method: clinical testing. Allele origin: germline.

Labcorp Genetics (formerly Invitae), Labcorp
Classification: Uncertain significance. Last evaluated: 2021-09-01. Review status: criteria provided, single submitter. Criteria: Invitae Variant Classification Sherloc (09022015). Collection method: clinical testing. Allele origin: germline.
Comment: This sequence change replaces threonine with alanine at codon 644 of the MME protein (p.Thr644Ala). The threonine residue is highly conserved and there is a small physicochemical difference between threonine and alanine. This variant is present in population databases (rs201171603, ExAC 0.003%). This variant has not been reported in the literature in individuals affected with MME-related conditions. Algorithms developed to predict the effect of missense changes on protein structure and function are either unavailable or do not agree on the potential impact of this missense change (SIFT: "Deleterious"; PolyPhen-2: "Probably Damaging"; Align-GVGD: "Class C0"). In summary, the available evidence is currently insufficient to determine the role of this variant in disease. Therefore, it has been classified as a Variant of Uncertain Significance.

NM_007289.4(MME):c.1930A>G (p.Thr644Ala)

Gene: MME (membrane metalloendopeptidase; plus strand). Cytogenetic location: 3q25.2.
Variant type: single nucleotide variant.
Coding change: c.1930A>G on transcript NM_007289.4 (MANE Select); coding-DNA position 1930, A replaced by G.
Protein change: p.Thr644Ala; replaces threonine 644 with alanine.
Molecular consequence: missense variant.
Genome position (GRCh38, 1-based): chr3:155,168,747, A>G. VCF-style: chr3-155168747-A-G. GRCh37 (hg19) VCF-style: chr3-154886536-A-G.
Other names: c.1930A>G (NM_007289.2); c.1930A>G, p.Thr644Ala (NM_000902.5, NM_001354642.2, NM_001354643.1 and 2 more transcripts); short protein forms T644A.
Identifiers: ClinVar variation 1417820 (VCV001417820.9), dbSNP rs201171603, ClinGen allele CA2675691.
Genomic context (GRCh38, chr3:155,168,747, plus strand): 5'-TGGTTTCTTTTTTTAACAATCCTAATAAAGTGTCTTTTTTAACAGCTTAATGGAATTAAT[A>G]CACTGGGAGAAAACATTGCTGATAATGGAGGTCTTGGTCAAGCATACAGAGTAAGTAAAA-3'
Protein context (NP_009220.2, residues 634-654): AGGQHLNGIN[Thr644Ala]LGENIADNGG